The following is an entry in ClinVar:

NM_001127222.2(CACNA1A):c.1889T>C (p.Leu630Ser)

Gene: CACNA1A (calcium voltage-gated channel subunit alpha1 A; minus strand). Cytogenetic location: 19p13.13.
Variant type: single nucleotide variant.
Coding change: c.1889T>C on transcript NM_001127222.2 (MANE Select); coding-DNA position 1889, T replaced by C.
Protein change: p.Leu630Ser; replaces leucine 630 with serine.
Molecular consequence: missense variant.
Genome position (GRCh38, 1-based): chr19:13,308,144, A>G on the plus strand (T>C on the coding strand, the complement: CACNA1A is on the minus strand). VCF-style: chr19-13308144-A-G. GRCh37 (hg19) VCF-style: chr19-13418958-A-G.
Other names: c.1892T>C, p.Leu631Ser (NM_000068.4, NM_001127221.2, NM_001174080.2 and 1 more transcripts); short protein forms L631S, L630S.
Identifiers: ClinVar variation 383243 (VCV000383243.2), dbSNP rs1057521564, ClinGen allele CA16608084.
Genomic context (GRCh38, chr19:13,308,144, plus strand): 5'-GGGAACCAGGAGTTGGAATTCCTGTGAAGGACTTACTGGCCGCCGAAGAGTTGCATTCCC[A>G]AAAGGGCGAAGACGACAATGAACAGGAAAAGGAGAAACAACAGGCTGATGATGGACTTCA-3'
Protein context (NP_001120694.1, residues 620-640): LFLFIVVFAL[Leu630Ser]GMQLFGGQFN

ClinVar aggregate classification (germline): Uncertain significance (1 of 4 stars; one submission).

Submission:

GeneDx
Classification: Uncertain significance. Last evaluated: 2016-02-03. Review status: criteria provided, single submitter. Criteria: GeneDx Variant Classification (06012015). Collection method: clinical testing. Allele origin: germline. Affected: yes.
Comment: A variant of uncertain significance has been identified in the CACNA1A gene. The L631S variant has not been published as a pathogenic variant, nor has it been reported as a benign variant to our knowledge. It was not observed in approximately 6,300 individuals of European and African American ancestry in the NHLBI Exome Sequencing Project, indicating it is not a common benign variant in these populations. The L631S variant is a non-conservative amino acid substitution, which is likely to impact secondary protein structure as these residues differ in polarity, charge, size and/or other properties. This substitution occurs at a position that is conserved across species, and in silico analysis predicts this variant is probably damaging to the protein structure/function. Based on the currently available information, it is unclear whether this variant is a pathogenic variant or a rare benign variant.